The following is an entry in ClinVar:

ClinVar aggregate classification (germline): Uncertain significance (1 of 4 stars; one submission).

gnomAD v4.1: 27 of 1,612,376 alleles (0.0017%); highest among the groups gnomAD compares: Non-Finnish European, 0.0023%; no homozygotes.

Submission:

Labcorp Genetics (formerly Invitae), Labcorp
Classification: Uncertain significance. Last evaluated: 2025-03-13. Review status: criteria provided, single submitter. Criteria: Invitae Variant Classification Sherloc (09022015). Collection method: clinical testing. Allele origin: germline.
Comment: This sequence change replaces valine, which is neutral and non-polar, with leucine, which is neutral and non-polar, at codon 112 of the ATP5D protein (p.Val112Leu). The frequency data for this variant in the population databases is considered unreliable, as metrics indicate poor data quality at this position in the gnomAD database. This variant has not been reported in the literature in individuals affected with ATP5D-related conditions. An algorithm developed to predict the effect of missense changes on protein structure and function (PolyPhen-2) suggests that this variant is likely to be disruptive. Algorithms developed to predict the effect of sequence changes on RNA splicing suggest that this variant may create or strengthen a splice site. In summary, the available evidence is currently insufficient to determine the role of this variant in disease. Therefore, it has been classified as a Variant of Uncertain Significance.

NM_001687.5(ATP5F1D):c.334G>T (p.Val112Leu)

Gene: ATP5F1D (ATP synthase F1 subunit delta; plus strand). Cytogenetic location: 19p13.3.
Variant type: single nucleotide variant.
Coding change: c.334G>T on transcript NM_001687.5 (MANE Select); coding-DNA position 334, G replaced by T.
Protein change: p.Val112Leu; replaces valine 112 with leucine.
Molecular consequence: missense variant.
Genome position (GRCh38, 1-based): chr19:1,244,135, G>T. VCF-style: chr19-1244135-G-T. GRCh37 (hg19) VCF-style: chr19-1244134-G-T.
Other names: c.334G>T, p.Val112Leu (NM_001001975.2); short protein forms V112L.
Identifiers: ClinVar variation 4707085 (VCV004707085.1).